The following is an entry in ClinVar:

ClinVar aggregate classification (germline): Pathogenic; other. Review status: no assertion criteria provided (0 of 4 stars). 3 submissions from 3 submitters: Pathogenic (2). Last evaluated 2016-07-15.

Conditions:
Alpha-1-antitrypsin deficiency (A1ATD). Also called: AAT deficiency; A1AT deficiency; Alpha1-Antitrypsin Deficiency. Identifiers: Orphanet 60, MedGen C0221757, MONDO:0013282, OMIM 613490.
PI M(MINERAL SPRINGS).

Submissions (3):

OMIM
Classification: other for PI M(MINERAL SPRINGS). Last evaluated: 2016-07-15. Review status: no assertion criteria provided. Collection method: literature only. Allele origin: germline.

Department of Laboratory Medicine and Genetics, Trillium Health Partners Credit Valley Hospital
Classification: Pathogenic for Alpha-1-antitrypsin deficiency. Last evaluated: 2014-12-08. Review status: no assertion criteria provided. Collection method: curation. Allele origin: germline. Affected: yes.
Comment: Reduced enzyme activity

Rare deficiency allele in cis with c.710T>C

GeneReviews
Classification: Pathogenic for Alpha-1-antitrypsin deficiency. Last evaluated: 2014-05-01. Review status: no assertion criteria provided. Collection method: literature only. Allele origin: germline. Affected: yes.
Comment: Disease association: lung

Literature cited by the submitters: PubMed 1967187 (cited by OMIM and Department of Laboratory Medicine and Genetics, Trillium Health Partners Credit Valley Hospital); PubMed 2696185 (cited by OMIM); PubMed 14985567 (cited by GeneReviews).

NM_001127701.1(SERPINA1):c.272G>A (p.Gly91Glu)

Gene: SERPINA1 (serpin family A member 1; minus strand). Cytogenetic location: 14q32.13.
Variant type: single nucleotide variant.
Coding change: c.272G>A on transcript NM_001127701.1; coding-DNA position 272, G replaced by A.
Protein change: p.Gly91Glu; replaces glycine 91 with glutamic acid.
Molecular consequence: missense variant (on NM_000295.5).
Genome position (GRCh38, 1-based): chr14:94,382,966, C>T on the plus strand (G>A on the coding strand, the complement: SERPINA1 is on the minus strand). VCF-style: chr14-94382966-C-T. GRCh37 (hg19) VCF-style: chr14-94849303-C-T.
Other names: G67E; SERPINA1, GLY67GLU ON M1A; c.272G>A, p.Gly91Glu (NM_000295.5, NM_001002235.3, NM_001002236.3 and 8 more transcripts); short protein forms G91E.
Identifiers: ClinVar variation 17966 (VCV000017966.3), dbSNP rs28931568, ClinGen allele CA127674.